The following is an entry in ClinVar:

ClinVar aggregate classification (germline): Uncertain significance (1 of 4 stars; one submission).

Conditions:
Temtamy syndrome (TEMTYS). Also called: MENTAL RETARDATION WITH OR WITHOUT CRANIOFACIAL DYSMORPHISM, OCULAR COLOBOMA, OR ABNORMAL CORPUS CALLOSUM. Identifiers: Orphanet 1777, MedGen C1857512, MONDO:0009033, OMIM 218340.

Allele frequency attached by ClinVar (database versions not stated): TOPMed below 0.00001; ExAC 0.00001; gnomAD 0.00001; gnomAD exomes 0.00001.
gnomAD v4.1: 24 of 1,613,314 alleles (0.0015%); highest among the groups gnomAD compares: Non-Finnish European, 0.0019%; no homozygotes.

Submission:

Labcorp Genetics (formerly Invitae), Labcorp
Classification: Uncertain significance for Temtamy syndrome. Last evaluated: 2024-10-22. Review status: criteria provided, single submitter. Criteria: Invitae Variant Classification Sherloc (09022015). Collection method: clinical testing. Allele origin: germline.
Comment: This sequence change replaces histidine, which is basic and polar, with arginine, which is basic and polar, at codon 115 of the C12orf57 protein (p.His115Arg). This variant is present in population databases (rs782437137, gnomAD 0.003%). This variant has not been reported in the literature in individuals affected with C12orf57-related conditions. ClinVar contains an entry for this variant (Variation ID: 970374). An algorithm developed to predict the effect of missense changes on protein structure and function (PolyPhen-2) suggests that this variant is likely to be disruptive. In summary, the available evidence is currently insufficient to determine the role of this variant in disease. Therefore, it has been classified as a Variant of Uncertain Significance.

NM_138425.4(C12orf57):c.344A>G (p.His115Arg)

Gene: C12orf57 (chromosome 12 open reading frame 57; plus strand). Cytogenetic location: 12p13.31.
Variant type: single nucleotide variant.
Coding change: c.344A>G on transcript NM_138425.4 (MANE Select); coding-DNA position 344, A replaced by G.
Protein change: p.His115Arg; replaces histidine 115 with arginine.
Molecular consequence: missense variant. On other transcripts: non-coding transcript variant (1).
Genome position (GRCh38, 1-based): chr12:6,945,885, A>G. VCF-style: chr12-6945885-A-G. GRCh37 (hg19) VCF-style: chr12-7055048-A-G.
Other names: c.344A>G, p.His115Arg (NM_001301834.1); c.305A>G, p.His102Arg (NM_001301836.2); c.257A>G, p.His86Arg (NM_001301837.2); c.239A>G, p.His80Arg (NM_001301838.2); short protein forms H102R, H115R, H80R, H86R.
Identifiers: ClinVar variation 970374 (VCV000970374.9), dbSNP rs782437137, ClinGen allele CA6421361.